The following is an entry in ClinVar:

ClinVar aggregate classification (germline): Conflicting classifications of pathogenicity. Review status: criteria provided, conflicting classifications (1 of 4 stars). 3 submissions from 3 submitters: Uncertain significance (2); Likely benign (1). Last evaluated 2026-01-14.

Conditions:
Inborn genetic diseases. Identifiers: MedGen C0950123, MeSH D030342.

Allele frequency attached by ClinVar (database versions not stated): gnomAD exomes below 0.00001; ExAC 0.00001.

Submissions (3):

Ambry Genetics
Classification: Uncertain significance for Inborn genetic diseases. Last evaluated: 2026-01-14. Review status: criteria provided, single submitter. Criteria: Ambry Variant Classification Scheme 2023. Collection method: clinical testing. Allele origin: germline.
Comment: The c.2219A>T (p.N740I) alteration is located in exon 9 (coding exon 9) of the CHD8 gene. This alteration results from a A to T substitution at nucleotide position 2219, causing the asparagine (N) at amino acid position 740 to be replaced by an isoleucine (I). Based on data from gnomAD, the T allele has an overall frequency of <0.001% (1/248410) total alleles studied. The highest observed frequency was <0.001% (/) of alleles. Based on insufficient or conflicting evidence, the clinical significance of this alteration remains unclear.

Labcorp Genetics (formerly Invitae), Labcorp
Classification: Likely benign. Last evaluated: 2025-06-15. Review status: criteria provided, single submitter. Criteria: Invitae Variant Classification Sherloc (09022015). Collection method: clinical testing. Allele origin: germline.

GeneDx
Classification: Uncertain significance. Last evaluated: 2023-08-02. Review status: criteria provided, single submitter. Criteria: GeneDx Variant Classification Process June 2021. Collection method: clinical testing. Allele origin: germline. Affected: yes.
Comment: Not observed at significant frequency in large population cohorts (gnomAD); In silico analysis supports that this missense variant has a deleterious effect on protein structure/function; Has not been previously published as pathogenic or benign to our knowledge

NM_001170629.2(CHD8):c.2219A>T (p.Asn740Ile)

Gene: CHD8 (chromodomain helicase DNA binding protein 8; minus strand). Cytogenetic location: 14q11.2.
Variant type: single nucleotide variant.
Coding change: c.2219A>T on transcript NM_001170629.2 (MANE Select); coding-DNA position 2219, A replaced by T.
Protein change: p.Asn740Ile; replaces asparagine 740 with isoleucine.
Molecular consequence: missense variant.
Genome position (GRCh38, 1-based): chr14:21,412,920, T>A on the plus strand (A>T on the coding strand, the complement: CHD8 is on the minus strand). VCF-style: chr14-21412920-T-A. GRCh37 (hg19) VCF-style: chr14-21881079-T-A.
Other names: c.1382A>T, p.Asn461Ile (NM_020920.4); short protein forms N461I, N740I.
Identifiers: ClinVar variation 1683985 (VCV001683985.6), dbSNP rs761808046, ClinGen allele CA7091618.